The following is an entry in ClinVar:

NM_000363.5(TNNI3):c.27_46del (p.Arg10fs)

Gene: TNNI3 (troponin I3, cardiac type; minus strand). Cytogenetic location: 19q13.42.
Variant type: Deletion.
Coding change: c.27_46del on transcript NM_000363.5 (MANE Select); coding-DNA positions 27 to 46, 20 bases deleted (TAGGGAACCTCGCCCTGCAC).
Protein change: p.Arg10fs; shifts the reading frame from arginine 10.
Molecular consequence: frameshift variant.
Genome position (GRCh38, 1-based): chr19:55,157,112-55,157,131, GTGCAGGGCGAGGTTCCCTA deleted on the plus strand (TAGGGAACCTCGCCCTGCAC on the coding strand, the reverse complement: TNNI3 is on the minus strand); deleting any 20 consecutive bases within chr19:55,157,112-55,157,132 gives the same sequence; the c. name uses the placement nearest the transcript's 3' end. VCF-style (leftmost placement, unchanged base first): chr19-55157111-GGTGCAGGGCGAGGTTCCCTA-G. GRCh37 (hg19) VCF-style: chr19-55668479-GGTGCAGGGCGAGGTTCCCTA-G.
Other names: c.26_45del20, p.Arg10Serfs (NM_000363.4); short protein forms R10fs.
Identifiers: ClinVar variation 4280074 (VCV004280074.1).
Genomic context (GRCh38, chr19:55,157,111, plus strand): 5'-TTGGCGTGCGGCTCCGTGGCATAAGCGCGGTAGTTGGAGGAGCGGCGTCTGATTGGGGCT[GGTGCAGGGCGAGGTTCCCTA>G]GCCTGGGTTAGGAGGAGTGGGGACCCCATCACCACCAAGACCCCACCCAGCCCTTACCGT-3'

ClinVar aggregate classification (germline): Uncertain significance (1 of 4 stars; one submission).

Conditions:
Pulmonary fibrosis and/or bone marrow failure, Telomere-related, 1. Also called: PULMONARY FIBROSIS AND/OR BONE MARROW FAILURE SYNDROME, TELOMERE-RELATED, 1. Identifiers: Orphanet 88, MedGen C3553617, MONDO:0013878, OMIM 614742.

Submission:

Johns Hopkins Genomics, Johns Hopkins University
Classification: Uncertain significance for Pulmonary fibrosis and/or bone marrow failure, Telomere-related, 1. Last evaluated: 2025-03-15. Review status: criteria provided, single submitter. Criteria: ACMG Guidelines, 2015. Collection method: clinical testing. Allele origin: germline.
Comment: The clinical significance of this variant is uncertain (PM2).

Literature cited by the submitters: PubMed 35838873.